The following is an entry in ClinVar:

ClinVar aggregate classification (germline): Pathogenic. Review status: criteria provided, single submitter (1 of 4 stars). 2 submissions from 1 submitter: Pathogenic (2). Last evaluated 2022-04-17.

Conditions:
Deficiency of adenosine deaminase 2. Also called: Polyarteritis nodosa, childhoood-onset; Adenosine Deaminase 2 Deficiency; VASCULITIS, AUTOINFLAMMATION, IMMUNODEFICIENCY, AND HEMATOLOGIC DEFECTS SYNDROME. Identifiers: Orphanet 404553, MedGen C3887654, MONDO:0014306, OMIM 615688, MONDO:0100317.
Immunodeficiency 51 (IMD51). Also called: CANDIDIASIS, FAMILIAL, 5. Identifiers: Orphanet 1334, MedGen C4310803, MONDO:0013500, OMIM 613953.

Submissions (2):

Labcorp Genetics (formerly Invitae), Labcorp
Classification: Pathogenic for Immunodeficiency 51. Last evaluated: 2022-04-17. Review status: criteria provided, single submitter. Criteria: Invitae Variant Classification Sherloc (09022015). Collection method: clinical testing. Allele origin: germline.
Comment: A gross deletion of the genomic region encompassing the full coding sequence of the IL17RA gene has been identified. Loss-of-function variants in IL17RA are known to be pathogenic (PMID: 27930337). The boundaries of this event are unknown as they extend beyond the assayed region for this gene and therefore may encompass additional genes. Isolated whole-gene deletions of IL17RA have not been reported in the literature. However, larger copy number events that include this gene have been reported (PMID: 26607704). For these reasons, this variant has been classified as Pathogenic.

Labcorp Genetics (formerly Invitae), Labcorp
Classification: Pathogenic for Deficiency of adenosine deaminase 2. Last evaluated: 2022-04-17. Review status: criteria provided, single submitter. Criteria: Invitae Variant Classification Sherloc (09022015). Collection method: clinical testing. Allele origin: germline.
Comment: A gross deletion of the genomic region encompassing the full coding sequence of the ADA2 gene has been identified. Loss-of-function variants in ADA2 are known to be pathogenic (PMID: 24552284, 24552285). The boundaries of this event are unknown as they extend beyond the assayed region for this gene and therefore may encompass additional genes. This variant has not been reported in the literature in individuals affected with ADA2-related conditions. For these reasons, this variant has been classified as Pathogenic.

Literature cited by the submitters: PubMed 27930337; PubMed 26607704; PubMed 24552284; PubMed 24552285.

NC_000022.10:g.(?_17565982)_(20052185_?)del

Genes: ADA2 (adenosine deaminase 2; minus strand), ARVCF (ARVCF delta catenin family member; minus strand), ATP6V1E1 (ATPase H+ transporting V1 subunit E1; minus strand), BCL2L13 (BCL2 like 13; plus strand), BID (BH3 interacting domain death agonist; minus strand) and 32 more. Cytogenetic location: 22q11.1-11.21.
Variant type: Deletion.
Identifiers: ClinVar variation 2424095 (VCV002424095.6).